The following is an entry in ClinVar:

NM_203475.3(PORCN):c.845+1G>C

Gene: PORCN (porcupine O-acyltransferase; plus strand). Cytogenetic location: Xp11.23.
Variant type: single nucleotide variant.
Coding change: c.845+1G>C on transcript NM_203475.3 (MANE Select); the canonical splice donor site of the intron after coding-DNA position 845, G replaced by C.
Molecular consequence: splice donor variant.
Genome position (GRCh38, 1-based): chrX:48,514,366, G>C. VCF-style: chrX-48514366-G-C. GRCh37 (hg19) VCF-style: chrX-48372754-G-C.
Other names: c.599+1G>C (NM_001282167.2); c.830+1G>C (NM_203473.3); c.812+1G>C (NM_022825.4); c.827+1G>C (NM_203474.1).
Identifiers: ClinVar variation 3900973 (VCV003900973.1).

ClinVar aggregate classification (germline): Pathogenic (1 of 4 stars; one submission).

Submission:

GeneDx
Classification: Pathogenic. Last evaluated: 2024-11-27. Review status: criteria provided, single submitter. Criteria: GeneDx Variant Classification Process June 2021. Collection method: clinical testing. Allele origin: germline. Affected: yes.
Comment: Canonical splice site variant predicted to result in an in-frame loss of the adjacent exon in a gene for which loss of function is a known mechanism of disease; Not observed at significant frequency in large population cohorts (gnomAD); This variant is associated with the following publications: (PMID: 25525159, 21472892)